The following is an entry in ClinVar:

NM_004168.4(SDHA):c.1064G>C (p.Arg355Thr)

Gene: SDHA (succinate dehydrogenase complex flavoprotein subunit A; plus strand). Cytogenetic location: 5p15.33.
Variant type: single nucleotide variant.
Coding change: c.1064G>C on transcript NM_004168.4 (MANE Select); coding-DNA position 1064, G replaced by C.
Protein change: p.Arg355Thr; replaces arginine 355 with threonine.
Molecular consequence: missense variant.
Genome position (GRCh38, 1-based): chr5:233,645, G>C. VCF-style: chr5-233645-G-C. GRCh37 (hg19) VCF-style: chr5-233760-G-C.
Other names: c.920G>C, p.Arg307Thr (NM_001294332.2); c.1064G>C, p.Arg355Thr (NM_001330758.2); short protein forms R355T, R307T.
Identifiers: ClinVar variation 2031581 (VCV002031581.4), dbSNP rs1735568346, ClinGen allele CA359013030.

ClinVar aggregate classification (germline): Uncertain significance (1 of 4 stars; one submission).

Conditions:
Pheochromocytoma/paraganglioma syndrome 5. Also called: Paragangliomas 5; SDHA-Related Hereditary Paraganglioma-Pheochromocytoma Syndrome. Identifiers: Orphanet 29072, MedGen C3279992, MONDO:0013602, OMIM 614165.
Mitochondrial complex II deficiency, nuclear type 1. Also called: SUCCINATE CoQ REDUCTASE DEFICIENCY. Identifiers: Orphanet 3208, MedGen C5700310, MONDO:0100294, OMIM 252011.

Submission:

Labcorp Genetics (formerly Invitae), Labcorp
Classification: Uncertain significance for Pheochromocytoma/paraganglioma syndrome 5; Mitochondrial complex II deficiency, nuclear type 1. Last evaluated: 2022-09-21. Review status: criteria provided, single submitter. Criteria: Invitae Variant Classification Sherloc (09022015). Collection method: clinical testing. Allele origin: germline.
Comment: This sequence change replaces arginine, which is basic and polar, with threonine, which is neutral and polar, at codon 355 of the SDHA protein (p.Arg355Thr). This variant also falls at the last nucleotide of exon 8, which is part of the consensus splice site for this exon. In summary, the available evidence is currently insufficient to determine the role of this variant in disease. Therefore, it has been classified as a Variant of Uncertain Significance. Variants that disrupt the consensus splice site are a relatively common cause of aberrant splicing (PMID: 17576681, 9536098). Algorithms developed to predict the effect of sequence changes on RNA splicing suggest that this variant may create or strengthen a splice site. Algorithms developed to predict the effect of missense changes on protein structure and function are either unavailable or do not agree on the potential impact of this missense change (SIFT: "Deleterious"; PolyPhen-2: "Probably Damaging"; Align-GVGD: "Class C0"). This variant has not been reported in the literature in individuals affected with SDHA-related conditions. This variant is not present in population databases (gnomAD no frequency).

Literature cited by the submitters: PubMed 17576681; PubMed 9536098.